The following is an entry in ClinVar:

NM_000426.4(LAMA2):c.4366_4370del (p.Tyr1456fs)

Gene: LAMA2 (laminin subunit alpha 2; plus strand). Cytogenetic location: 6q22.33.
Variant type: Deletion.
Coding change: c.4366_4370del on transcript NM_000426.4 (MANE Select); coding-DNA positions 4366 to 4370, 5 bases deleted (TATGG; older notation c.4366_4370delTATGG).
Protein change: p.Tyr1456fs; shifts the reading frame from tyrosine 1456.
Molecular consequence: frameshift variant.
Genome position (GRCh38, 1-based): chr6:129,342,397-129,342,401, TATGG deleted. VCF-style (leftmost placement, unchanged base first): chr6-129342396-CTATGG-C. GRCh37 (hg19) VCF-style: chr6-129663541-CTATGG-C.
Other names: c.4366_4370del, p.Tyr1456fs (NM_001079823.2); short protein forms Y1456fs.
Identifiers: ClinVar variation 1368432 (VCV001368432.6), dbSNP rs2114568387, ClinGen allele CA2573140605.

ClinVar aggregate classification (germline): Pathogenic (1 of 4 stars; one submission).

Conditions:
LAMA2-related muscular dystrophy (LAMA2-RD). Also called: Laminin alpha 2-related dystrophy. Identifiers: MedGen C5679788, MONDO:0100228.

Submission:

Labcorp Genetics (formerly Invitae), Labcorp
Classification: Pathogenic for LAMA2-related muscular dystrophy. Last evaluated: 2020-11-26. Review status: criteria provided, single submitter. Criteria: Invitae Variant Classification Sherloc (09022015). Collection method: clinical testing. Allele origin: germline.
Comment: For these reasons, this variant has been classified as Pathogenic. This variant has not been reported in the literature in individuals with LAMA2-related conditions. This variant is not present in population databases (ExAC no frequency). This sequence change creates a premature translational stop signal (p.Tyr1456Asnfs*8) in the LAMA2 gene. It is expected to result in an absent or disrupted protein product. Loss-of-function variants in LAMA2 are known to be pathogenic (PMID: 18700894).

Literature cited by the submitters: PubMed 18700894.